The following is an entry in ClinVar:

NM_139057.4(ADAMTS17):c.1306C>T (p.Leu436Phe)

Gene: ADAMTS17 (ADAM metallopeptidase with thrombospondin type 1 motif 17; minus strand). Cytogenetic location: 15q26.3.
Variant type: single nucleotide variant.
Coding change: c.1306C>T on transcript NM_139057.4 (MANE Select); coding-DNA position 1306, C replaced by T.
Protein change: p.Leu436Phe; replaces leucine 436 with phenylalanine.
Molecular consequence: missense variant.
Genome position (GRCh38, 1-based): chr15:100,155,196, G>A on the plus strand (C>T on the coding strand, the complement: ADAMTS17 is on the minus strand). VCF-style: chr15-100155196-G-A. GRCh37 (hg19) VCF-style: chr15-100695401-G-A.
Other names: short protein forms L436F.
Identifiers: ClinVar variation 1931272 (VCV001931272.4), dbSNP rs1184570266, ClinGen allele CA393934406.

ClinVar aggregate classification (germline): Uncertain significance. Review status: criteria provided, multiple submitters, no conflicts (2 of 4 stars). 2 submissions from 2 submitters: Uncertain significance (2). Last evaluated 2022-08-01.

Conditions:
Inborn genetic diseases. Identifiers: MedGen C0950123, MeSH D030342.

Allele frequency attached by ClinVar (database versions not stated): gnomAD 0.00001; gnomAD exomes 0.00001.

Submissions (2):

Labcorp Genetics (formerly Invitae), Labcorp
Classification: Uncertain significance. Last evaluated: 2022-08-01. Review status: criteria provided, single submitter. Criteria: Invitae Variant Classification Sherloc (09022015). Collection method: clinical testing. Allele origin: germline.
Comment: This sequence change replaces leucine, which is neutral and non-polar, with phenylalanine, which is neutral and non-polar, at codon 436 of the ADAMTS17 protein (p.Leu436Phe). In summary, the available evidence is currently insufficient to determine the role of this variant in disease. Therefore, it has been classified as a Variant of Uncertain Significance. Algorithms developed to predict the effect of missense changes on protein structure and function are either unavailable or do not agree on the potential impact of this missense change (SIFT: "Not Available"; PolyPhen-2: "Probably Damaging"; Align-GVGD: "Not Available"). This variant has not been reported in the literature in individuals affected with ADAMTS17-related conditions. This variant is present in population databases (no rsID available, gnomAD 0.0009%).

Ambry Genetics
Classification: Uncertain significance for Inborn genetic diseases. Last evaluated: 2021-09-17. Review status: criteria provided, single submitter. Criteria: Ambry Variant Classification Scheme 2023. Collection method: clinical testing. Allele origin: germline.